The following is an entry in ClinVar:

ClinVar aggregate classification (germline): Conflicting classifications of pathogenicity. Review status: criteria provided, conflicting classifications (1 of 4 stars). 2 submissions from 2 submitters: Uncertain significance (1); Likely benign (1). Last evaluated 2025-09-23.

Conditions:
Cardiovascular phenotype. Identifiers: MedGen CN230736.
Long QT syndrome (LQTS). Identifiers: MedGen C0023976, MeSH D008133, MONDO:0002442. Disease mechanism: loss of function. Inheritance: Various modes of inheritance.

Allele frequency attached by ClinVar (database versions not stated): gnomAD exomes 0.00001 and 0.00004; gnomAD 0.00009 and 0.00011; ESP Exome Variant Server 0.00023; ExAC 0.00003; TOPMed 0.00009.
gnomAD v4.1: 26 of 1,606,604 alleles (0.0016%); highest among the groups gnomAD compares: African/African-American, 0.024%; no homozygotes.

Submissions (2):

Labcorp Genetics (formerly Invitae), Labcorp
Classification: Uncertain significance for Long QT syndrome. Last evaluated: 2025-09-23. Review status: criteria provided, single submitter. Criteria: Invitae Variant Classification Sherloc (09022015). Collection method: clinical testing. Allele origin: germline.
Comment: This sequence change replaces lysine, which is basic and polar, with arginine, which is basic and polar, at codon 1542 of the AKAP9 protein (p.Lys1542Arg). This variant is present in population databases (rs141987389, gnomAD 0.02%). This variant has not been reported in the literature in individuals affected with AKAP9-related conditions. ClinVar contains an entry for this variant (Variation ID: 657654). An algorithm developed to predict the effect of missense changes on protein structure and function (PolyPhen-2) suggests that this variant is likely to be tolerated. In summary, the available evidence is currently insufficient to determine the role of this variant in disease. Therefore, it has been classified as a Variant of Uncertain Significance.

Ambry Genetics
Classification: Likely benign for Cardiovascular phenotype. Last evaluated: 2025-03-26. Review status: criteria provided, single submitter. Criteria: Ambry Variant Classification Scheme 2023. Collection method: clinical testing. Allele origin: germline.

NM_005751.5(AKAP9):c.4625A>G (p.Lys1542Arg)

Gene: AKAP9 (A-kinase anchoring protein 9; plus strand). Cytogenetic location: 7q21.2.
Variant type: single nucleotide variant.
Coding change: c.4625A>G on transcript NM_005751.5 (MANE Select); coding-DNA position 4625, A replaced by G.
Protein change: p.Lys1542Arg; replaces lysine 1542 with arginine.
Molecular consequence: missense variant.
Genome position (GRCh38, 1-based): chr7:92,038,705, A>G. VCF-style: chr7-92038705-A-G. GRCh37 (hg19) VCF-style: chr7-91668019-A-G.
Other names: c.4625A>G, p.Lys1542Arg (NM_147185.3); short protein forms K1542R.
Identifiers: ClinVar variation 657654 (VCV000657654.11), dbSNP rs141987389, ClinGen allele CA4336598.